The following is an entry in ClinVar:

ClinVar aggregate classification (germline): Uncertain significance (1 of 4 stars; one submission).

Conditions:
Primary ciliary dyskinesia 30. Also called: CILIARY DYSKINESIA, PRIMARY, 30, WITH OR WITHOUT SITUS INVERSUS. Identifiers: Orphanet 244, MedGen C4015016, MONDO:0014465, OMIM 616037.

Allele frequency attached by ClinVar (database versions not stated): gnomAD exomes below 0.00001.
gnomAD v4.1: 2 of 1,613,284 alleles (0.00012%); highest among the groups gnomAD compares: Non-Finnish European, 0.00017%; no homozygotes.

Submission:

Labcorp Genetics (formerly Invitae), Labcorp
Classification: Uncertain significance for Primary ciliary dyskinesia 30. Last evaluated: 2022-02-12. Review status: criteria provided, single submitter. Criteria: Invitae Variant Classification Sherloc (09022015). Collection method: clinical testing. Allele origin: germline.
Comment: In summary, the available evidence is currently insufficient to determine the role of this variant in disease. Therefore, it has been classified as a Variant of Uncertain Significance. Algorithms developed to predict the effect of missense changes on protein structure and function output the following: SIFT: "Tolerated"; PolyPhen-2: "Benign"; Align-GVGD: "Class C0". The proline amino acid residue is found in multiple mammalian species, which suggests that this missense change does not adversely affect protein function. This variant has not been reported in the literature in individuals affected with CCDC151-related conditions. This variant is present in population databases (no rsID available, gnomAD 0.0009%). This sequence change replaces glutamine, which is neutral and polar, with proline, which is neutral and non-polar, at codon 520 of the CCDC151 protein (p.Gln520Pro).

NM_145045.5(ODAD3):c.1559A>C (p.Gln520Pro)

Gene: ODAD3 (outer dynein arm docking complex subunit 3; minus strand). Cytogenetic location: 19p13.2.
Variant type: single nucleotide variant.
Coding change: c.1559A>C on transcript NM_145045.5 (MANE Select); coding-DNA position 1559, A replaced by C.
Protein change: p.Gln520Pro; replaces glutamine 520 with proline.
Molecular consequence: missense variant.
Genome position (GRCh38, 1-based): chr19:11,421,708, T>G on the plus strand (A>C on the coding strand, the complement: ODAD3 is on the minus strand). VCF-style: chr19-11421708-T-G. GRCh37 (hg19) VCF-style: chr19-11532376-T-G.
Other names: c.1397A>C, p.Gln466Pro (NM_001302453.1); c.1379A>C, p.Gln460Pro (NM_001302454.2); short protein forms Q466P, Q520P, Q460P.
Identifiers: ClinVar variation 2097099 (VCV002097099.4), dbSNP rs1333452920, ClinGen allele CA404119196.
Genomic context (GRCh38, chr19:11,421,708, plus strand): 5'-TGGAGCTCTGCCCCATGGCTGCAGGGCACCTCGCGGTTAGCGATGTGGCACAGCATCTCC[T>G]GCACGTCGTGGCCCTGGAGCTGCGCCTGCAGTTTCAGCAGCTTTTCCTCCACGAGGCCCA-3'
Protein context (NP_659482.3, residues 510-530): LQAQLQGHDV[Gln520Pro]EMLCHIANRE